The following is an entry in ClinVar:

NM_002206.3(ITGA7):c.998+18C>T

Gene: ITGA7 (integrin subunit alpha 7; minus strand). Cytogenetic location: 12q13.2.
Variant type: single nucleotide variant.
Coding change: c.998+18C>T on transcript NM_002206.3 (MANE Select); 18 bases into the intron after coding-DNA position 998, C replaced by T.
Molecular consequence: intron variant.
Genome position (GRCh38, 1-based): chr12:55,698,692, G>A on the plus strand (C>T on the coding strand, the complement: ITGA7 is on the minus strand). VCF-style: chr12-55698692-G-A. GRCh37 (hg19) VCF-style: chr12-56092476-G-A.
Other names: c.719+18C>T (NM_001144997.2); c.671+18C>T (NM_001367993.1); c.659+18C>T (NM_001414035.1); c.815+18C>T (NM_001414033.1); c.-295+18C>T (NM_001367994.1); c.878+18C>T (NM_001414032.1); c.998+18C>T (NM_001414031.1, NM_001374465.1, NM_001414034.1); c.1010+18C>T (NM_001414030.1, NM_001414029.1, NM_001144996.2); and 1 more.
Identifiers: ClinVar variation 1028004 (VCV001028004.3), dbSNP rs370001763, ClinGen allele CA6616095.
Genomic context (GRCh38, chr12:55,698,692, plus strand): 5'-GGAGGCTAAGTGGCCTCAGCCAGACTGGGGCTACTAGACCCAGCCTCCCTCAGGTGGCAC[G>A]GCCCTCTACCCACTCACCCATCACTGTTGAGGTCAGCCACAGCCAGTGAGTAGCCAAAGC-3'

ClinVar aggregate classification (germline): Conflicting classifications of pathogenicity. Review status: criteria provided, conflicting classifications (1 of 4 stars). 2 submissions from 2 submitters: Uncertain significance (1); Likely benign (1). Last evaluated 2024-12-30.

Conditions:
Congenital muscular dystrophy due to integrin alpha-7 deficiency. Also called: MYOPATHY, CONGENITAL, DUE TO INTEGRIN ALPHA-7 DEFICIENCY; Congenital muscular dystrophy with integrin alpha-7 deficiency; Muscular dystrophy, congenital, due to ITGA7 deficiency. Identifiers: Orphanet 34520, MedGen C2750786, MONDO:0013177, OMIM 613204.

Allele frequency attached by ClinVar (database versions not stated): gnomAD 0.00001; gnomAD exomes 0.00001; TOPMed 0.00002; ExAC 0.00003; ESP Exome Variant Server 0.00008.

Submissions (2):

Labcorp Genetics (formerly Invitae), Labcorp
Classification: Likely benign for Congenital muscular dystrophy due to integrin alpha-7 deficiency. Last evaluated: 2024-12-30. Review status: criteria provided, single submitter. Criteria: Invitae Variant Classification Sherloc (09022015). Collection method: clinical testing. Allele origin: germline.

Baylor Genetics
Classification: Uncertain significance for Congenital muscular dystrophy due to integrin alpha-7 deficiency. Last evaluated: 2020-11-03. Review status: criteria provided, single submitter. Criteria: ACMG Guidelines, 2015. Collection method: clinical testing. Allele origin: paternal. Affected: yes.
Comment: This variant was determined to be of uncertain significance according to ACMG Guidelines, 2015 [PMID:25741868].